The following is an entry in ClinVar:

NM_000051.4(ATM):c.6917G>A (p.Ser2306Asn)

Genes: ATM (ATM serine/threonine kinase; plus strand), C11orf65 (chromosome 11 open reading frame 65; minus strand). Cytogenetic location: 11q22.3.
Variant type: single nucleotide variant.
Coding change: c.6917G>A on transcript NM_000051.4 (MANE Select); coding-DNA position 6917, G replaced by A.
Protein change: p.Ser2306Asn; replaces serine 2306 with asparagine.
Molecular consequence: missense variant. On other transcripts: intron variant (2).
Genome position (GRCh38, 1-based): chr11:108,326,167, G>A. VCF-style: chr11-108326167-G-A. GRCh37 (hg19) VCF-style: chr11-108196894-G-A.
Other names: c.6917G>A, p.Ser2306Asn (NM_001351834.2); c.641-17096C>T (NM_001330368.2); c.*38+9053C>T (NM_001351110.2); short protein forms S2306N.
Identifiers: ClinVar variation 826700 (VCV000826700.6), dbSNP rs1591133976, ClinGen allele CA382557064.

ClinVar aggregate classification (germline): Uncertain significance (1 of 4 stars; one submission).

Conditions:
Hereditary cancer-predisposing syndrome. Also called: Tumor predisposition; Neoplastic Syndromes, Hereditary; Hereditary Cancer Syndrome; Hereditary neoplastic syndrome. Identifiers: Orphanet 140162, MedGen C0027672, MeSH D009386, MONDO:0015356.

Allele frequency attached by ClinVar (database versions not stated): gnomAD exomes below 0.00001.
gnomAD v4.1: 1 of 1,614,126 alleles (0.000062%); no homozygotes.

Submission:

Ambry Genetics
Classification: Uncertain significance for Hereditary cancer-predisposing syndrome. Last evaluated: 2019-09-28. Review status: criteria provided, single submitter. Criteria: Ambry Variant Classification Scheme 2023. Collection method: clinical testing. Allele origin: germline.
Comment: The p.S2306N variant (also known as c.6917G>A), located in coding exon 46 of the ATM gene, results from a G to A substitution at nucleotide position 6917. The serine at codon 2306 is replaced by asparagine, an amino acid with highly similar properties. This amino acid position is well conserved in available vertebrate species. In addition, this alteration is predicted to be tolerated by in silico analysis. Since supporting evidence is limited at this time, the clinical significance of this alteration remains unclear.